The following is an entry in ClinVar:

ClinVar aggregate classification (germline): Uncertain significance (1 of 4 stars; one submission).

Submission:

Labcorp Genetics (formerly Invitae), Labcorp
Classification: Uncertain significance. Last evaluated: 2022-05-29. Review status: criteria provided, single submitter. Criteria: Invitae Variant Classification Sherloc (09022015). Collection method: clinical testing. Allele origin: germline.
Comment: In summary, the available evidence is currently insufficient to determine the role of this variant in disease. Therefore, it has been classified as a Variant of Uncertain Significance. This variant disrupts the p.His880 amino acid residue in SAMD9L. Other variant(s) that disrupt this residue have been determined to be pathogenic (PMID: 27259050). This suggests that this residue is clinically significant, and that variants that disrupt this residue are likely to be disease-causing. Algorithms developed to predict the effect of missense changes on protein structure and function are either unavailable or do not agree on the potential impact of this missense change (SIFT: "Not Available"; PolyPhen-2: "Possibly Damaging"; Align-GVGD: "Not Available"). This variant has not been reported in the literature in individuals affected with SAMD9L-related conditions. This variant is not present in population databases (gnomAD no frequency). This sequence change replaces histidine, which is basic and polar, with arginine, which is basic and polar, at codon 880 of the SAMD9L protein (p.His880Arg).

Literature cited by the submitters: PubMed 27259050.

NM_152703.5(SAMD9L):c.2639A>G (p.His880Arg)

Gene: SAMD9L (sterile alpha motif domain containing 9 like; minus strand). Cytogenetic location: 7q21.2.
Variant type: single nucleotide variant.
Coding change: c.2639A>G on transcript NM_152703.5 (MANE Select); coding-DNA position 2639, A replaced by G.
Protein change: p.His880Arg; replaces histidine 880 with arginine.
Molecular consequence: missense variant.
Genome position (GRCh38, 1-based): chr7:93,133,333, T>C on the plus strand (A>G on the coding strand, the complement: SAMD9L is on the minus strand). VCF-style: chr7-93133333-T-C. GRCh37 (hg19) VCF-style: chr7-92762646-T-C.
Other names: c.2639A>G, p.His880Arg (NM_001303496.3, NM_001303497.3, NM_001303498.3 and 5 more transcripts); short protein forms H880R.
Identifiers: ClinVar variation 2041853 (VCV002041853.4), dbSNP rs2535418670, ClinGen allele CA368186781.